The following is an entry in ClinVar:

ClinVar aggregate classification (germline): Uncertain significance (1 of 4 stars; one submission).

Conditions:
Congenital contractural arachnodactyly (CCA). Also called: BEALS SYNDROME; Beals-Hecht syndrome; Arthrogryposis, distal, type 9. Identifiers: Orphanet 115, MedGen C0220668, MONDO:0007363, OMIM 121050.

Allele frequency attached by ClinVar (database versions not stated): TOPMed below 0.00001; gnomAD 0.00001.
gnomAD v4.1: 1 of 1,610,122 alleles (0.000062%); highest among the groups gnomAD compares: Admixed American, 0.0017%; no homozygotes.

Submission:

Labcorp Genetics (formerly Invitae), Labcorp
Classification: Uncertain significance for Congenital contractural arachnodactyly. Last evaluated: 2021-04-27. Review status: criteria provided, single submitter. Criteria: Invitae Variant Classification Sherloc (09022015). Collection method: clinical testing. Allele origin: germline.
Comment: Advanced modeling of protein sequence and biophysical properties (such as structural, functional, and spatial information, amino acid conservation, physicochemical variation, residue mobility, and thermodynamic stability) performed at Invitae indicates that this missense variant is not expected to disrupt FBN2 protein function. In summary, the available evidence is currently insufficient to determine the role of this variant in disease. Therefore, it has been classified as a Variant of Uncertain Significance. This variant has not been reported in the literature in individuals with FBN2-related conditions. This variant is not present in population databases (ExAC no frequency). This sequence change replaces asparagine with serine at codon 117 of the FBN2 protein (p.Asn117Ser). The asparagine residue is highly conserved and there is a small physicochemical difference between asparagine and serine.

NM_001999.4(FBN2):c.350A>G (p.Asn117Ser)

Gene: FBN2 (fibrillin 2; minus strand). Cytogenetic location: 5q23.3.
Variant type: single nucleotide variant.
Coding change: c.350A>G on transcript NM_001999.4 (MANE Select); coding-DNA position 350, A replaced by G.
Protein change: p.Asn117Ser; replaces asparagine 117 with serine.
Molecular consequence: missense variant.
Genome position (GRCh38, 1-based): chr5:128,530,681, T>C on the plus strand (A>G on the coding strand, the complement: FBN2 is on the minus strand). VCF-style: chr5-128530681-T-C. GRCh37 (hg19) VCF-style: chr5-127866374-T-C.
Other names: short protein forms N117S.
Identifiers: ClinVar variation 1428866 (VCV001428866.8), dbSNP rs1756677980, ClinGen allele CA360759155.